The following is an entry in ClinVar:

NM_000180.4(GUCY2D):c.1627C>T (p.Pro543Ser)

Gene: GUCY2D (guanylate cyclase 2D, retinal; plus strand). Cytogenetic location: 17p13.1.
Variant type: single nucleotide variant.
Coding change: c.1627C>T on transcript NM_000180.4 (MANE Select); coding-DNA position 1627, C replaced by T.
Protein change: p.Pro543Ser; replaces proline 543 with serine.
Molecular consequence: missense variant.
Genome position (GRCh38, 1-based): chr17:8,007,991, C>T. VCF-style: chr17-8007991-C-T. GRCh37 (hg19) VCF-style: chr17-7911309-C-T.
Other names: short protein forms P543S.
Identifiers: ClinVar variation 1989153 (VCV001989153.4), dbSNP rs758645364, ClinGen allele CA8365831.

ClinVar aggregate classification (germline): Uncertain significance (1 of 4 stars; one submission).

Conditions:
Cone-rod dystrophy 6 (CORD6). Also called: Cone dystrophy progressive; RETINAL CONE DYSTROPHY 2. Identifiers: Orphanet 1872, MedGen C1866293, MONDO:0011143, OMIM 601777.
Leber congenital amaurosis 1 (LCA1). Also called: RETINAL BLINDNESS, CONGENITAL; AMAUROSIS CONGENITA OF LEBER I; Congenital absence of the rods and cones; Leber's congenital tapetoretinal degeneration; Leber's congenital tapetoretinal dysplasia. Identifiers: Orphanet 65, MedGen C2931258, MONDO:0008764, OMIM 204000.

Allele frequency attached by ClinVar (database versions not stated): ExAC 0.00001; gnomAD 0.00001; gnomAD exomes 0.00001; TOPMed 0.00001.
gnomAD v4.1: 13 of 1,613,542 alleles (0.00081%); highest among the groups gnomAD compares: African/African-American, 0.0027%; no homozygotes.

Submission:

Labcorp Genetics (formerly Invitae), Labcorp
Classification: Uncertain significance for Leber congenital amaurosis 1; Cone-rod dystrophy 6. Last evaluated: 2022-09-04. Review status: criteria provided, single submitter. Criteria: Invitae Variant Classification Sherloc (09022015). Collection method: clinical testing. Allele origin: germline.
Comment: In summary, the available evidence is currently insufficient to determine the role of this variant in disease. Therefore, it has been classified as a Variant of Uncertain Significance. Algorithms developed to predict the effect of missense changes on protein structure and function (SIFT, PolyPhen-2, Align-GVGD) all suggest that this variant is likely to be tolerated. This variant has not been reported in the literature in individuals affected with GUCY2D-related conditions. This variant is present in population databases (rs758645364, gnomAD 0.003%). This sequence change replaces proline, which is neutral and non-polar, with serine, which is neutral and polar, at codon 543 of the GUCY2D protein (p.Pro543Ser).